The following is an entry in ClinVar:

NM_016169.4(SUFU):c.1057A>C (p.Thr353Pro)

Gene: SUFU (SUFU negative regulator of hedgehog signaling; plus strand). Cytogenetic location: 10q24.32.
Variant type: single nucleotide variant.
Coding change: c.1057A>C on transcript NM_016169.4 (MANE Select); coding-DNA position 1057, A replaced by C.
Protein change: p.Thr353Pro; replaces threonine 353 with proline.
Molecular consequence: missense variant.
Genome position (GRCh38, 1-based): chr10:102,615,302, A>C. VCF-style: chr10-102615302-A-C. GRCh37 (hg19) VCF-style: chr10-104375059-A-C.
Other names: c.1057A>C, p.Thr353Pro (NM_001178133.2); short protein forms T353P.
Identifiers: ClinVar variation 3226853 (VCV003226853.1), dbSNP rs1043574191, ClinGen allele CA377913834.

ClinVar aggregate classification (germline): Uncertain significance (1 of 4 stars; one submission).

Conditions:
Hereditary cancer-predisposing syndrome. Also called: Neoplastic Syndromes, Hereditary; Tumor predisposition; Hereditary neoplastic syndrome; Hereditary Cancer Syndrome. Identifiers: Orphanet 140162, MedGen C0027672, MeSH D009386, MONDO:0015356.

Submission:

Ambry Genetics
Classification: Uncertain significance for Hereditary cancer-predisposing syndrome. Last evaluated: 2024-03-08. Review status: criteria provided, single submitter. Criteria: Ambry Variant Classification Scheme 2023. Collection method: clinical testing. Allele origin: germline.
Comment: The p.T353P variant (also known as c.1057A>C), located in coding exon 9 of the SUFU gene, results from an A to C substitution at nucleotide position 1057. The threonine at codon 353 is replaced by proline, an amino acid with highly similar properties. This amino acid position is conserved. In addition, this alteration is predicted to be tolerated by in silico analysis. Based on the available evidence, the clinical significance of this alteration remains unclear.